The following is an entry in ClinVar:

ClinVar aggregate classification (germline): Conflicting classifications of pathogenicity. Review status: criteria provided, conflicting classifications (1 of 4 stars). 3 submissions from 3 submitters: Uncertain significance (2); Likely benign (1). Last evaluated 2024-10-24.

Conditions:
Cardiovascular phenotype. Identifiers: MedGen CN230736.
Ehlers-Danlos syndrome, kyphoscoliotic type, 2. Also called: Ehlers-Danlos syndrome, kyphoscoliotic and deafness type; Ehlers-Danlos syndrome with progressive kyphoscoliosis, myopathy, and hearing loss; FKBP14-Kyphoscoliotic Ehlers-Danlos Syndrome. Identifiers: Orphanet 300179, MedGen C3281160, MONDO:0013800, OMIM 614557.

Allele frequency attached by ClinVar (database versions not stated): ExAC 0.00001; gnomAD exomes 0.00002 and 0.00003; gnomAD 0.00003; TOPMed 0.00004.
gnomAD v4.1: 52 of 1,599,336 alleles (0.0033%); highest among the groups gnomAD compares: African/African-American, 0.0041%; no homozygotes.

Submissions (3):

Ambry Genetics
Classification: Likely benign for Cardiovascular phenotype. Last evaluated: 2024-10-24. Review status: criteria provided, single submitter. Criteria: Ambry Variant Classification Scheme 2023. Collection method: clinical testing. Allele origin: germline.

Labcorp Genetics (formerly Invitae), Labcorp
Classification: Uncertain significance for Ehlers-Danlos syndrome, kyphoscoliotic type, 2. Last evaluated: 2024-01-17. Review status: criteria provided, single submitter. Criteria: Invitae Variant Classification Sherloc (09022015). Collection method: clinical testing. Allele origin: germline.
Comment: This sequence change replaces alanine, which is neutral and non-polar, with valine, which is neutral and non-polar, at codon 173 of the FKBP14 protein (p.Ala173Val). The frequency data for this variant in the population databases is considered unreliable, as metrics indicate poor data quality at this position in the gnomAD database. This variant has not been reported in the literature in individuals affected with FKBP14-related conditions. ClinVar contains an entry for this variant (Variation ID: 1036143). An algorithm developed to predict the effect of missense changes on protein structure and function (PolyPhen-2) suggests that this variant¬†is likely to be tolerated. In summary, the available evidence is currently insufficient to determine the role of this variant in disease. Therefore, it has been classified as a Variant of Uncertain Significance.

CeGaT Center for Human Genetics Tuebingen
Classification: Uncertain significance. Last evaluated: 2021-12-01. Review status: criteria provided, single submitter. Criteria: CeGaT Center For Human Genetics Tuebingen Variant Classification Criteria Version 2. Collection method: clinical testing. Allele origin: germline. Affected: yes. Observed: 1 variant allele.

NM_017946.4(FKBP14):c.518C>T (p.Ala173Val)

Genes: FKBP14 (FKBP prolyl isomerase 14; minus strand), FKBP14-AS1 (FKBP14 antisense RNA 1; plus strand). Cytogenetic location: 7p14.3.
Variant type: single nucleotide variant.
Coding change: c.518C>T on transcript NM_017946.4 (MANE Select); coding-DNA position 518, C replaced by T.
Protein change: p.Ala173Val; replaces alanine 173 with valine.
Molecular consequence: missense variant. On other transcripts: non-coding transcript variant (2).
Genome position (GRCh38, 1-based): chr7:30,014,853, G>A on the plus strand (C>T on the coding strand, the complement: FKBP14 is on the minus strand). VCF-style: chr7-30014853-G-A. GRCh37 (hg19) VCF-style: chr7-30054469-G-A.
Other names: c.518C>T (NM_017946.2); short protein forms A173V.
Identifiers: ClinVar variation 1036143 (VCV001036143.40), dbSNP rs757164371, ClinGen allele CA4203386.